The following is an entry in ClinVar:

NM_003579.4(RAD54L):c.1462A>G (p.Lys488Glu)

Gene: RAD54L (RAD54 like; plus strand). Cytogenetic location: 1p34.1.
Variant type: single nucleotide variant.
Coding change: c.1462A>G on transcript NM_003579.4 (MANE Select); coding-DNA position 1462, A replaced by G.
Protein change: p.Lys488Glu; replaces lysine 488 with glutamic acid.
Molecular consequence: missense variant.
Genome position (GRCh38, 1-based): chr1:46,273,441, A>G. VCF-style: chr1-46273441-A-G. GRCh37 (hg19) VCF-style: chr1-46739113-A-G.
Other names: c.1462A>G, p.Lys488Glu (NM_001142548.2); c.922A>G, p.Lys308Glu (NM_001370766.1); short protein forms K308E, K488E.
Identifiers: ClinVar variation 3312483 (VCV003312483.1).

ClinVar aggregate classification (germline): Uncertain significance (1 of 4 stars; one submission).

gnomAD v4.1: 1 of 1,613,724 alleles (0.000062%); highest among the groups gnomAD compares: East Asian, 0.0022%; no homozygotes.

Submission:

Ambry Genetics
Classification: Uncertain significance. Last evaluated: 2024-05-25. Review status: criteria provided, single submitter. Criteria: Ambry Variant Classification Scheme 2023. Collection method: clinical testing. Allele origin: germline.
Comment: The p.K488E variant (also known as c.1462A>G), located in coding exon 13 of the RAD54L gene, results from an A to G substitution at nucleotide position 1462. The lysine at codon 488 is replaced by glutamic acid, an amino acid with similar properties. This amino acid position is conserved. In addition, this alteration is predicted to be deleterious by in silico analysis. Based on the available evidence, the clinical significance of this variant remains unclear.